The following is an entry in ClinVar:

NM_000261.2(MYOC):c.343G>T (p.Glu115Ter)

Gene: MYOC (myocilin; minus strand). Cytogenetic location: 1q24.3.
Variant type: single nucleotide variant.
Coding change: c.343G>T on transcript NM_000261.2 (MANE Select); coding-DNA position 343, G replaced by T.
Protein change: p.Glu115Ter; replaces glutamic acid 115 with a stop codon.
Molecular consequence: nonsense.
Genome position (GRCh38, 1-based): chr1:171,652,269, C>A on the plus strand (G>T on the coding strand, the complement: MYOC is on the minus strand). VCF-style: chr1-171652269-C-A. GRCh37 (hg19) VCF-style: chr1-171621409-C-A.
Other names: NM_000261.2(MYOC):c.343G>T; p.Glu115Ter; short protein forms E115*.
Identifiers: ClinVar variation 631579 (VCV000631579.6), dbSNP rs757551979, ClinGen allele CA343718634.

ClinVar aggregate classification (germline): Uncertain significance (3 of 4 stars; one submission).

Conditions:
Open-angle glaucoma. Identifiers: MedGen C0017612, MONDO:0005338, HP:0012108.

Allele frequency attached by ClinVar (database versions not stated): TOPMed 0.00001.
gnomAD v4.1: 3 of 1,613,664 alleles (0.00019%); highest among the groups gnomAD compares: Non-Finnish European, 0.00025%; no homozygotes.

Submission:

ClinGen Glaucoma Variant Curation Expert Panel
Classification: Uncertain significance for Open-angle glaucoma. Last evaluated: 2025-12-03. Review status: reviewed by expert panel. Criteria: ClinGen Glaucoma ACMG Specifications V2.0.0 Approved. Collection method: curation. Allele origin: germline. Inheritance: Autosomal dominant inheritance.
Comment: The c.343G>T variant in MYOC is predicted to cause a change in the length of the protein due to the insertion of a terminating codon instead of the usual Glutamic Acid at amino acid 115 (p.Glu115Ter). Truncation of this protein occurs outside of the conserved olfactomedin domain, which did not meet PM4. PVS1 did not apply, as the disease mechanism for MYOC variants associated with primary open angle glaucoma is not loss-of-function. The highest minor allele frequency of this variant was in the European (non-Finnish) genetic ancestry group of gnomAD (v4.1.0) = 0.000002543 (3 alleles out of 1,179,774), which met the ≤ 0.0001 threshold set for PM2_Supporting in a genetic ancestry group of at least 10,000 alleles. There was no computational or functional evidence predicting a damaging or benign impact of this variant on MYOC function. This variant was identified in laboratory based testing, but has not yet been found in a proband with juvenile or primary open angle glaucoma, thus PS4 did not apply. In summary, this variant met the criteria to receive a score of 1 and to be classified as a variant of uncertain significance (uncertain significance classification range -1 to 5, adapted from PMID: 32720330) for primary open angle glaucoma based on the ACMG/AMP criteria met, as specified by the ClinGen Glaucoma VCEP (v2.0.0, 5 Dec 2024): PM2_Supporting.